The following is an entry in ClinVar:

NM_000102.4(CYP17A1):c.1225C>A (p.Pro409Thr)

Gene: CYP17A1 (cytochrome P450 family 17 subfamily A member 1; minus strand). Cytogenetic location: 10q24.32.
Variant type: single nucleotide variant.
Coding change: c.1225C>A on transcript NM_000102.4 (MANE Select); coding-DNA position 1225, C replaced by A.
Protein change: p.Pro409Thr; replaces proline 409 with threonine.
Molecular consequence: missense variant.
Genome position (GRCh38, 1-based): chr10:102,831,526, G>T on the plus strand (C>A on the coding strand, the complement: CYP17A1 is on the minus strand). VCF-style: chr10-102831526-G-T. GRCh37 (hg19) VCF-style: chr10-104591283-G-T.
Other names: short protein forms P409T.
Identifiers: ClinVar variation 1515875 (VCV001515875.6), dbSNP rs1370493887, ClinGen allele CA377938441.

ClinVar aggregate classification (germline): Likely pathogenic (1 of 4 stars; one submission).

Allele frequency attached by ClinVar (database versions not stated): gnomAD exomes 0.00001.
gnomAD v4.1: 6 of 1,613,946 alleles (0.00037%); highest among the groups gnomAD compares: Non-Finnish European, 0.00051%; no homozygotes.

Submission:

Labcorp Genetics (formerly Invitae), Labcorp
Classification: Likely pathogenic. Last evaluated: 2023-09-23. Review status: criteria provided, single submitter. Criteria: Invitae Variant Classification Sherloc (09022015). Collection method: clinical testing. Allele origin: germline.
Comment: In summary, the currently available evidence indicates that the variant is pathogenic, but additional data are needed to prove that conclusively. Therefore, this variant has been classified as Likely Pathogenic. This variant disrupts the p.Pro409 amino acid residue in CYP17A1. Other variant(s) that disrupt this residue have been determined to be pathogenic (PMID: 11243732, 20170344, 22087567, 22954317). This suggests that this residue is clinically significant, and that variants that disrupt this residue are likely to be disease-causing. An algorithm developed to predict the effect of missense changes on protein structure and function (PolyPhen-2) suggests that this variant is likely to be disruptive. ClinVar contains an entry for this variant (Variation ID: 1515875). This variant has not been reported in the literature in individuals affected with CYP17A1-related conditions. This variant is not present in population databases (gnomAD no frequency). This sequence change replaces proline, which is neutral and non-polar, with threonine, which is neutral and polar, at codon 409 of the CYP17A1 protein (p.Pro409Thr).

Literature cited by the submitters: PubMed 11243732; PubMed 20170344; PubMed 22087567; PubMed 22954317.